The following is an entry in ClinVar:

ClinVar aggregate classification (germline): Benign. Review status: criteria provided, multiple submitters, no conflicts (2 of 4 stars). 2 submissions from 2 submitters: Benign (2). Last evaluated 2018-06-17.

Allele frequency attached by ClinVar (database versions not stated): 1000 Genomes Project 0.03574; 1000 Genomes Project 30x 0.03576; TOPMed 0.04907; gnomAD 0.05419 and 0.05448.
gnomAD v4.1: 50,449 of 869,244 alleles (5.8%); highest among the groups gnomAD compares: Middle Eastern, 10%; 1,818 homozygotes.

Submissions (2):

GeneDx
Classification: Benign. Last evaluated: 2018-06-17. Review status: criteria provided, single submitter. Criteria: GeneDx Variant Classification (06012015). Collection method: clinical testing. Allele origin: germline. Affected: yes.
Comment: This variant is considered likely benign or benign based on one or more of the following criteria: it is a conservative change, it occurs at a poorly conserved position in the protein, it is predicted to be benign by multiple in silico algorithms, and/or has population frequency not consistent with disease.

Breakthrough Genomics
Classification: Benign. Review status: criteria provided, single submitter. Criteria: ACMG Guidelines, 2015. Collection method: not provided. Allele origin: germline. Inheritance: Autosomal recessive inheritance. Affected: yes.

NM_001457.4(FLNB):c.5729-134G>C

Gene: FLNB (filamin B; plus strand). Cytogenetic location: 3p14.3.
Variant type: single nucleotide variant.
Coding change: c.5729-134G>C on transcript NM_001457.4 (MANE Select); 134 bases into the intron before coding-DNA position 5729, G replaced by C.
Molecular consequence: intron variant.
Genome position (GRCh38, 1-based): chr3:58,148,072, G>C. VCF-style: chr3-58148072-G-C. GRCh37 (hg19) VCF-style: chr3-58133799-G-C.
Other names: c.5822-134G>C (NM_001164317.2); c.5696-134G>C (NM_001164318.2); c.5657-134G>C (NM_001164319.2).
Identifiers: ClinVar variation 671402 (VCV000671402.2), dbSNP rs190226890, ClinGen allele CA11362530.
Genomic context (GRCh38, chr3:58,148,072, plus strand): 5'-TGCTGCAAGCAGGCATGAATCCCATCATTCTTCATTGGTTGGGTCTACTCAGTGTTCAAG[G>C]CTCATTTTTTTTTCACTTAACTTTGTGTAATTAGTTCTTGCGTGTTCATCCGTGAACAGC-3'